The following is an entry in ClinVar:

ClinVar aggregate classification (germline): Likely pathogenic (1 of 4 stars; one submission).

Conditions:
Developmental and epileptic encephalopathy, 50 (DEE50). Also called: Epileptic encephalopathy, early infantile, 50. Identifiers: Orphanet 448010, MedGen C4225320, MONDO:0014647, OMIM 616457.

Submission:

Juno Genomics, Hangzhou Juno Genomics, Inc
Classification: Likely pathogenic for Developmental and epileptic encephalopathy, 50. Review status: criteria provided, single submitter. Criteria: ACMG Guidelines, 2015. Collection method: clinical testing. Allele origin: germline.
Comment: Null variant in a gene where loss of function (LOF) is a known mechanism of disease.;Absent from controls (or at extremely low frequency if recessive) in Genome Aggregation Database.

NM_004341.5(CAD):c.3625C>T (p.Gln1209Ter)

Gene: CAD (carbamoyl-phosphate synthetase 2, aspartate transcarbamylase, and dihydroorotase; plus strand). Cytogenetic location: 2p23.3.
Variant type: single nucleotide variant.
Coding change: c.3625C>T on transcript NM_004341.5 (MANE Select); coding-DNA position 3625, C replaced by T.
Protein change: p.Gln1209Ter; replaces glutamine 1209 with a stop codon.
Molecular consequence: nonsense.
Genome position (GRCh38, 1-based): chr2:27,234,524, C>T. VCF-style: chr2-27234524-C-T. GRCh37 (hg19) VCF-style: chr2-27457392-C-T.
Other names: c.3436C>T, p.Gln1146Ter (NM_001306079.2); short protein forms Q1209*, Q1146*.
Identifiers: ClinVar variation 5006278 (VCV005006278.2).